The following is an entry in ClinVar:

NM_058172.6(ANTXR2):c.*3649T>A

Gene: ANTXR2 (ANTXR cell adhesion molecule 2; minus strand). Cytogenetic location: 4q21.21.
Variant type: single nucleotide variant.
Coding change: c.*3649T>A on transcript NM_058172.6 (MANE Select); 3649 bases downstream of the stop codon, T replaced by A.
Molecular consequence: 3 prime UTR variant.
Genome position (GRCh38, 1-based): chr4:79,903,780, A>T on the plus strand (T>A on the coding strand, the complement: ANTXR2 is on the minus strand). VCF-style: chr4-79903780-A-T. GRCh37 (hg19) VCF-style: chr4-80824934-A-T.
Other names: c.*3649T>A (NM_001286780.2, NM_001286781.2).
Identifiers: ClinVar variation 905397 (VCV000905397.4), dbSNP rs147800526, ClinGen allele CA100488282.

ClinVar aggregate classification (germline): Likely benign (1 of 4 stars; one submission).

Conditions:
Hyaline fibromatosis syndrome (HFS). Also called: Hyalinosis, Inherited Systemic; HYALINOSIS, SYSTEMIC. Identifiers: Orphanet 2028, Orphanet 498474, MedGen C5574677, MONDO:0009229, OMIM 228600.

Allele frequency attached by ClinVar (database versions not stated): gnomAD 0.00134 and 0.00135; TOPMed 0.00163; 1000 Genomes Project 0.00220; 1000 Genomes Project 30x 0.00265.

Submission:

Illumina Laboratory Services, Illumina
Classification: Likely benign for Hyaline fibromatosis syndrome. Last evaluated: 2018-01-13. Review status: criteria provided, single submitter. Criteria: ICSL Variant Classification Criteria 13 December 2019. Collection method: clinical testing. Allele origin: germline.
Comment: This variant was observed in the ICSL laboratory as part of a predisposition screen in an ostensibly healthy population. It had not been previously curated by ICSL or reported in the Human Gene Mutation Database (HGMD: prior to June 1st, 2018), and was therefore a candidate for classification through an automated scoring system. Utilizing variant allele frequency, disease prevalence and penetrance estimates, and inheritance mode, an automated score was calculated to assess if this variant is too frequent to cause the disease. Based on the score and internal cut-off values, a variant classified as likely benign is not then subjected to further curation. The score for this variant resulted in a classification of likely benign for this disease.